The following continues an entry in ClinVar:

NM_000059.4(BRCA2):c.9117G>A (p.Pro3039=)

Gene: BRCA2. ClinVar aggregate classification (germline): Pathogenic. Pathogenic (1).

Submissions 40 to 42 of 42:

Clinical Genetics Laboratory, Department of Pathology, Netherlands Cancer Institute
Classification: Pathogenic. Review status: no assertion criteria provided. Collection method: clinical testing. Allele origin: germline. Affected: yes. Study: VKGL Data-share Consensus. Not counted in ClinVar's aggregate classification.

Diagnostic Laboratory, Department of Genetics, University Medical Center Groningen
Classification: Pathogenic for Breast-ovarian cancer, familial, susceptibility to, 2. Review status: no assertion criteria provided. Collection method: clinical testing. Allele origin: germline. Affected: yes. Study: VKGL Data-share Consensus. Not counted in ClinVar's aggregate classification.

Joint Genome Diagnostic Labs from Nijmegen and Maastricht, Radboudumc and MUMC+
Classification: Pathogenic. Review status: no assertion criteria provided. Collection method: clinical testing. Allele origin: germline. Affected: yes. Study: VKGL Data-share Consensus. Not counted in ClinVar's aggregate classification.

Literature cited by the submitters: PubMed 10638982 (cited by 8 submitters); PubMed 17011978 (cited by 7 submitters); PubMed 17148771 (cited by 4 submitters); PubMed 22923021 (cited by 5 submitters); PubMed 23035815 (cited by 6 submitters); PubMed 26026974 (cited by 7 submitters); PubMed 17924331 (cited by 4 submitters); PubMed 21990134 (cited by 4 submitters); PubMed 17576681 (cited by Labcorp Genetics (formerly Invitae), Labcorp); PubMed 9536098 (cited by Labcorp Genetics (formerly Invitae), Labcorp); PubMed 22505045 (cited by 10 submitters); PubMed 22632462 (cited by 9 submitters); PubMed 23451180 (cited by 10 submitters); PubMed 25382762 (cited by 6 submitters); PubMed 11897832 (cited by Ambry Genetics); PubMed 16683254 (cited by Ambry Genetics and Department of Pathology and Laboratory Medicine, Sinai Health System); PubMed 18375895 (cited by Ambry Genetics and Quest Diagnostics Nichols Institute San Juan Capistrano); PubMed 18821011 (cited by 3 submitters); PubMed 19016756 (cited by Ambry Genetics); PubMed 19656164 (cited by Ambry Genetics); PubMed 20406929 (cited by Ambry Genetics); PubMed 21324516 (cited by Ambry Genetics and Counsyl); PubMed 22217648 (cited by Ambry Genetics); PubMed 22798144 (cited by 3 submitters); PubMed 24156927 (cited by 3 submitters); PubMed 24249303 (cited by 4 submitters); PubMed 25480878 (cited by 3 submitters); PubMed 25556971 (cited by 3 submitters); PubMed 25948282 (cited by 3 submitters); PubMed 27000661 (cited by 5 submitters); PubMed 27271530 (cited by Ambry Genetics); PubMed 28477318 (cited by 6 submitters); PubMed 28724667 (cited by 5 submitters); PubMed 31843900 (cited by 4 submitters); PubMed 29176636 (cited by 3 submitters); PubMed 34645131 (cited by Center for Genomic Medicine, Rigshospitalet, Copenhagen University Hospital); PubMed 27060066 (cited by 3 submitters); PubMed 25186627 (cited by Quest Diagnostics Nichols Institute San Juan Capistrano and Sema4); PubMed 28825054 (cited by Quest Diagnostics Nichols Institute San Juan Capistrano and Sema4); PubMed 29907814 (cited by Quest Diagnostics Nichols Institute San Juan Capistrano); PubMed 30702160 (cited by Quest Diagnostics Nichols Institute San Juan Capistrano); PubMed 31143373 (cited by Quest Diagnostics Nichols Institute San Juan Capistrano); PubMed 31825140 (cited by Quest Diagnostics Nichols Institute San Juan Capistrano); PubMed 32658311 (cited by Quest Diagnostics Nichols Institute San Juan Capistrano); PubMed 32853339 (cited by Quest Diagnostics Nichols Institute San Juan Capistrano); PubMed 26295337 (cited by Quest Diagnostics Nichols Institute San Juan Capistrano); PubMed 30287823 (cited by All of Us Research Program, National Institutes of Health and Color Diagnostics, LLC DBA Color Health); PubMed 32393398 (cited by 3 submitters); PubMed 29084914 (cited by Laboratory for Molecular Medicine, Mass General Brigham Personalized Medicine); PubMed 29446198 (cited by Sema4); PubMed 11802209 (cited by Women's Health and Genetics/Laboratory Corporation of America, LabCorp and Department of Pathology and Laboratory Medicine, Sinai Health System); PubMed 36988593 (cited by Laboratory for Genotyping Development, RIKEN).